The following is an entry in ClinVar:

ClinVar aggregate classification (germline): Uncertain significance (1 of 4 stars; one submission).

Conditions:
Familial cold autoinflammatory syndrome 2 (FCAS2). Identifiers: Orphanet 247868, MedGen C2673198, MONDO:0012724, OMIM 611762.

Submission:

Labcorp Genetics (formerly Invitae), Labcorp
Classification: Uncertain significance for Familial cold autoinflammatory syndrome 2. Last evaluated: 2025-11-16. Review status: criteria provided, single submitter. Criteria: Invitae Variant Classification Sherloc (09022015). Collection method: clinical testing. Allele origin: germline.
Comment: This sequence change replaces threonine, which is neutral and polar, with alanine, which is neutral and non-polar, at codon 879 of the NLRP12 protein (p.Thr879Ala). This variant is not present in population databases (gnomAD no frequency). This variant has not been reported in the literature in individuals affected with NLRP12-related conditions. An algorithm developed to predict the effect of missense changes on protein structure and function outputs the following: PolyPhen-2: "Benign". The alanine amino acid residue is found in multiple mammalian species, which suggests that this missense change does not adversely affect protein function. In summary, the available evidence is currently insufficient to determine the role of this variant in disease. Therefore, it has been classified as a Variant of Uncertain Significance.

NM_144687.4(NLRP12):c.2635A>G (p.Thr879Ala)

Gene: NLRP12 (NLR family pyrin domain containing 12; minus strand). Cytogenetic location: 19q13.42.
Variant type: single nucleotide variant.
Coding change: c.2635A>G on transcript NM_144687.4 (MANE Select); coding-DNA position 2635, A replaced by G.
Protein change: p.Thr879Ala; replaces threonine 879 with alanine.
Molecular consequence: missense variant.
Genome position (GRCh38, 1-based): chr19:53,801,348, T>C on the plus strand (A>G on the coding strand, the complement: NLRP12 is on the minus strand). VCF-style: chr19-53801348-T-C. GRCh37 (hg19) VCF-style: chr19-54304602-T-C.
Other names: c.2638A>G, p.Thr880Ala (NM_001277126.2); c.2635A>G, p.Thr879Ala (NM_001277129.1); short protein forms T880A, T879A.
Identifiers: ClinVar variation 4731303 (VCV004731303.1).